The following is an entry in ClinVar:

NM_003242.6(TGFBR2):c.590T>C (p.Leu197Pro)

Gene: TGFBR2 (transforming growth factor beta receptor 2; plus strand). Cytogenetic location: 3p24.1.
Variant type: single nucleotide variant.
Coding change: c.590T>C on transcript NM_003242.6 (MANE Select); coding-DNA position 590, T replaced by C.
Protein change: p.Leu197Pro; replaces leucine 197 with proline.
Molecular consequence: missense variant. On other transcripts: intron variant (1).
Genome position (GRCh38, 1-based): chr3:30,671,773, T>C. VCF-style: chr3-30671773-T-C. GRCh37 (hg19) VCF-style: chr3-30713265-T-C.
Other names: c.665T>C, p.Leu222Pro (NM_001024847.3); c.773T>C, p.Leu258Pro (NM_001407126.1); c.698T>C, p.Leu233Pro (NM_001407127.1); c.617T>C, p.Leu206Pro (NM_001407128.1); c.593T>C, p.Leu198Pro (NM_001407129.1); c.590T>C, p.Leu197Pro (NM_001407130.1); c.485T>C, p.Leu162Pro (NM_001407132.1, NM_001407133.1, NM_001407134.1 and 2 more transcripts); c.305T>C, p.Leu102Pro (NM_001407137.1); and 2 more; short protein forms L197P, L206P, L233P, L198P, L258P, L102P, L162P, L222P.
Identifiers: ClinVar variation 5030839 (VCV005030839.1).

ClinVar aggregate classification (germline): Uncertain significance (1 of 4 stars; one submission).

Conditions:
Familial thoracic aortic aneurysm and aortic dissection (TAAD). Also called: Thoracic aortic aneurysms and dissections. Identifiers: Orphanet 91387, MedGen C4707243, MONDO:0019625.

gnomAD v4.1: 1 of 1,614,216 alleles (0.000062%); highest among the groups gnomAD compares: Middle Eastern, 0.016%; no homozygotes.

Submission:

Ambry Genetics
Classification: Uncertain significance for Familial thoracic aortic aneurysm and aortic dissection. Last evaluated: 2026-07-02. Review status: criteria provided, single submitter. Criteria: Ambry Variant Classification Scheme 2023. Collection method: clinical testing. Allele origin: germline.
Comment: The p.L222P variant (also known as c.665T>C), located in coding exon 5 of the TGFBR2 gene, results from a T to C substitution at nucleotide position 665. The leucine at codon 222 is replaced by proline, an amino acid with similar properties. This amino acid position is conserved. In addition, the in silico prediction for this alteration is inconclusive. Based on the available evidence, the clinical significance of this variant remains unclear.